The following is an entry in ClinVar:

ClinVar aggregate classification (germline): Uncertain significance (1 of 4 stars; one submission).

Conditions:
ABCA13-related disorder. Also called: ABCA13-related condition.

Submission:

PreventionGenetics, part of Exact Sciences
Classification: Uncertain significance for ABCA13-related condition. Last evaluated: 2025-12-04. Review status: criteria provided, single submitter. Criteria: ACMG Guidelines, 2015. Collection method: clinical testing. Allele origin: germline.
Comment: The ABCA13 c.61A>T variant is predicted to result in the amino acid substitution p.Arg21Trp. To our knowledge, this variant has not been reported in the literature or in a large population database (gnomAD), indicating this variant is rare. At this time, the clinical significance of this variant is uncertain due to the absence of conclusive functional and genetic evidence.

NM_152701.5(ABCA13):c.61A>T (p.Arg21Trp)

Gene: ABCA13 (ATP binding cassette subfamily A member 13; plus strand). Cytogenetic location: 7p12.3.
Variant type: single nucleotide variant.
Coding change: c.61A>T on transcript NM_152701.5 (MANE Select); coding-DNA position 61, A replaced by T.
Protein change: p.Arg21Trp; replaces arginine 21 with tryptophan.
Molecular consequence: missense variant.
Genome position (GRCh38, 1-based): chr7:48,171,544, A>T. VCF-style: chr7-48171544-A-T. GRCh37 (hg19) VCF-style: chr7-48211141-A-T.
Other names: short protein forms R21W.
Identifiers: ClinVar variation 4993039 (VCV004993039.1).